The following is an entry in ClinVar:

ClinVar aggregate classification (germline): Uncertain significance (1 of 4 stars; one submission).

Submission:

GeneDx
Classification: Uncertain significance. Last evaluated: 2026-03-25. Review status: criteria provided, single submitter. Criteria: GeneDx Variant Classification Process June 2021. Collection method: clinical testing. Allele origin: germline.
Comment: Not observed at significant frequency in large population cohorts (gnomAD); In silico analysis suggests that this missense variant does not alter protein structure/function; Has not been previously published as pathogenic or benign to our knowledge

NM_152703.5(SAMD9L):c.475G>C (p.Glu159Gln)

Gene: SAMD9L (sterile alpha motif domain containing 9 like; minus strand). Cytogenetic location: 7q21.2.
Variant type: single nucleotide variant.
Coding change: c.475G>C on transcript NM_152703.5 (MANE Select); coding-DNA position 475, G replaced by C.
Protein change: p.Glu159Gln; replaces glutamic acid 159 with glutamine.
Molecular consequence: missense variant.
Genome position (GRCh38, 1-based): chr7:93,135,497, C>G on the plus strand (G>C on the coding strand, the complement: SAMD9L is on the minus strand). VCF-style: chr7-93135497-C-G. GRCh37 (hg19) VCF-style: chr7-92764810-C-G.
Other names: c.475G>C, p.Glu159Gln (NM_001303496.3, NM_001303497.3, NM_001303498.3 and 5 more transcripts); short protein forms E159Q.
Identifiers: ClinVar variation 5017170 (VCV005017170.1).
Genomic context (GRCh38, chr7:93,135,497, plus strand): 5'-CTATGTAGCGATGGCTGTCATGGAACTGATCAAAAGGATATGGCATACAAGTCAATTGTT[C>G]AGGTTTTAGCTTACCCTTTTTCTTGTGTTTAGCATTTGCTACTTCATCTAACACATTTTC-3'
Protein context (NP_689916.2, residues 149-169): KHKKKGKLKP[Glu159Gln]QLTCMPYPFD